The following is an entry in ClinVar:

NM_000061.3(BTK):c.1976_*10del (p.Ser659_Ter660delinsXaa)

Gene: BTK (Bruton tyrosine kinase; minus strand). Cytogenetic location: Xq22.1.
Variant type: Deletion.
Coding change: c.1976_*10del on transcript NM_000061.3 (MANE Select); coding-DNA position 1976 through 10 bases downstream of the stop codon, 15 bases deleted (CCTGAGCTCGCCAAT).
Protein change: p.Ser659_Ter660delinsXaa.
Molecular consequence: stop lost.
Genome position (GRCh38, 1-based): chrX:101,349,875-101,349,889, ATTGGCGAGCTCAGG deleted on the plus strand (CCTGAGCTCGCCAAT on the coding strand, the reverse complement: BTK is on the minus strand); deleting any 15 consecutive bases within chrX:101,349,875-101,349,892 gives the same sequence; the c. name uses the placement nearest the transcript's 3' end. VCF-style (leftmost placement, unchanged base first): chrX-101349874-TATTGGCGAGCTCAGG-T. GRCh37 (hg19) VCF-style: chrX-100604862-TATTGGCGAGCTCAGG-T.
Other names: c.2078_*10del, p.Ser693_Ter694delinsXaa (NM_001287344.2); c.1448_*10del, p.Ser483_Ter484delinsXaa (NM_001287345.2).
Identifiers: ClinVar variation 3010844 (VCV003010844.3), dbSNP rs1331425289, ClinGen allele CA869302312.

ClinVar aggregate classification (germline): Uncertain significance (1 of 4 stars; one submission).

Conditions:
X-linked agammaglobulinemia with growth hormone deficiency (IGHD3). Also called: Isolated growth hormone deficiency type 3; Growth hormone deficiency with hypogammaglobulinemia; FLEISHER SYNDROME; HYPOGAMMAGLOBULINEMIA AND ISOLATED GROWTH HORMONE DEFICIENCY, X-LINKED; IGHD III; ISOLATED GROWTH HORMONE DEFICIENCY, TYPE III, WITH AGAMMAGLOBULINEMIA. Identifiers: Orphanet 231692, Orphanet 631, MedGen C0472813, MONDO:0010615, OMIM 307200.

Submission:

Labcorp Genetics (formerly Invitae), Labcorp
Classification: Uncertain significance for X-linked agammaglobulinemia with growth hormone deficiency. Last evaluated: 2023-03-17. Review status: criteria provided, single submitter. Criteria: Invitae Variant Classification Sherloc (09022015). Collection method: clinical testing. Allele origin: germline.
Comment: This sequence change creates a premature translational stop signal (p.Ser659*) in the BTK gene. While this is not anticipated to result in nonsense mediated decay, it is expected to disrupt the last 1 amino acid(s) of the BTK protein. This variant is not present in population databases (gnomAD no frequency). This variant has not been reported in the literature in individuals affected with BTK-related conditions. Experimental studies and prediction algorithms are not available or were not evaluated, and the functional significance of this variant is currently unknown. In summary, the available evidence is currently insufficient to determine the role of this variant in disease. Therefore, it has been classified as a Variant of Uncertain Significance.